The following is an entry in ClinVar:

ClinVar aggregate classification (germline): Likely benign. Review status: criteria provided, single submitter (1 of 4 stars). 3 submissions from 1 submitter: Likely benign (3). Last evaluated 2018-01-13.

Conditions:
Tooth agenesis, selective, 4 (STHAG4). Also called: SUCCEDANEOUS TEETH, AGENESIS OF; LATERAL INCISORS, ABSENCE OF; LATERAL INCISORS, PEGGED OR MISSING; TOOTH AGENESIS, SELECTIVE, 4, WITH OR WITHOUT ECTODERMAL DYSPLASIA. Identifiers: Orphanet 99798, MedGen C1835492, MONDO:0007881, OMIM 150400. Disease mechanism: loss of function.
Odonto-onycho-dermal dysplasia. Identifiers: Orphanet 2721, MedGen C0796093, MONDO:0009773, OMIM 257980.
Schöpf-Schulz-Passarge syndrome. Also called: ECCRINE TUMORS WITH ECTODERMAL DYSPLASIA; KERATOSIS PALMOPLANTARIS WITH CYSTIC EYELIDS, HYPODONTIA, AND HYPOTRICHOSIS; SchC6pf-Schulz-Passarge syndrome. Identifiers: Orphanet 50944, MedGen C1857069, MONDO:0009145, OMIM 224750.

Allele frequency attached by ClinVar (database versions not stated): gnomAD 0.00008 and 0.00013; TOPMed 0.00011; gnomAD exomes 0.00025; 1000 Genomes Project 30x 0.00047; 1000 Genomes Project 0.00060.
gnomAD v4.1: 299 of 1,323,130 alleles (0.023%); highest among the groups gnomAD compares: East Asian, 0.64%; 1 homozygote.

Submissions (3):

Illumina Laboratory Services, Illumina
Classification: Likely benign for Tooth agenesis, selective, 4. Last evaluated: 2018-01-13. Review status: criteria provided, single submitter. Criteria: ICSL Variant Classification Criteria 13 December 2019. Collection method: clinical testing. Allele origin: germline.
Comment: This variant was observed in the ICSL laboratory as part of a predisposition screen in an ostensibly healthy population. It had not been previously curated by ICSL or reported in the Human Gene Mutation Database (HGMD: prior to June 1st, 2018), and was therefore a candidate for classification through an automated scoring system. Utilizing variant allele frequency, disease prevalence and penetrance estimates, and inheritance mode, an automated score was calculated to assess if this variant is too frequent to cause the disease. Based on the score and internal cut-off values, a variant classified as likely benign is not then subjected to further curation. The score for this variant resulted in a classification of likely benign for this disease.

Illumina Laboratory Services, Illumina
Classification: Likely benign for Odonto-onycho-dermal dysplasia. Last evaluated: 2018-01-13. Review status: criteria provided, single submitter. Criteria: ICSL Variant Classification Criteria 13 December 2019. Collection method: clinical testing. Allele origin: germline.
Comment: the same text as in the submission from Illumina Laboratory Services, Illumina above.

Illumina Laboratory Services, Illumina
Classification: Likely benign for Schöpf-Schulz-Passarge syndrome. Last evaluated: 2018-01-13. Review status: criteria provided, single submitter. Criteria: ICSL Variant Classification Criteria 13 December 2019. Collection method: clinical testing. Allele origin: germline.
Comment: the same text as in the submission from Illumina Laboratory Services, Illumina above.

NM_025216.3(WNT10A):c.*128T>C

Gene: WNT10A (Wnt family member 10A; plus strand). Cytogenetic location: 2q35.
Variant type: single nucleotide variant.
Coding change: c.*128T>C on transcript NM_025216.3 (MANE Select); 128 bases downstream of the stop codon, T replaced by C.
Molecular consequence: 3 prime UTR variant.
Genome position (GRCh38, 1-based): chr2:218,893,399, T>C. VCF-style: chr2-218893399-T-C. GRCh37 (hg19) VCF-style: chr2-219758121-T-C.
Identifiers: ClinVar variation 334419 (VCV000334419.5), dbSNP rs1054630, ClinGen allele CA10614201.